The following is an entry in ClinVar:

NM_000465.4(BARD1):c.1714C>A (p.Leu572Ile)

Gene: BARD1 (BRCA1 associated RING domain 1; minus strand). Cytogenetic location: 2q35.
Variant type: single nucleotide variant.
Coding change: c.1714C>A on transcript NM_000465.4 (MANE Select); coding-DNA position 1714, C replaced by A.
Protein change: p.Leu572Ile; replaces leucine 572 with isoleucine.
Molecular consequence: missense variant. On other transcripts: non-coding transcript variant (3), intron variant (1).
Genome position (GRCh38, 1-based): chr2:214,745,818, G>T on the plus strand (C>A on the coding strand, the complement: BARD1 is on the minus strand). VCF-style: chr2-214745818-G-T. GRCh37 (hg19) VCF-style: chr2-215610542-G-T.
Other names: c.1657C>A, p.Leu553Ile (NM_001282543.2); c.361C>A, p.Leu121Ile (NM_001282545.2); c.304C>A, p.Leu102Ile (NM_001282548.2); c.365-15310C>A (NM_001282549.2); short protein forms L102I, L121I, L553I, L572I.
Identifiers: ClinVar variation 1778609 (VCV001778609.2), dbSNP rs772222117, ClinGen allele CA350453182.

ClinVar aggregate classification (germline): Uncertain significance (1 of 4 stars; one submission).

Conditions:
Hereditary cancer-predisposing syndrome. Also called: Neoplastic Syndromes, Hereditary; Tumor predisposition; Hereditary Cancer Syndrome; Hereditary neoplastic syndrome. Identifiers: Orphanet 140162, MedGen C0027672, MeSH D009386, MONDO:0015356.

Submission:

Ambry Genetics
Classification: Uncertain significance for Hereditary cancer-predisposing syndrome. Last evaluated: 2022-04-25. Review status: criteria provided, single submitter. Criteria: Ambry Variant Classification Scheme 2023. Collection method: clinical testing. Allele origin: germline.
Comment: The p.L572I variant (also known as c.1714C>A), located in coding exon 8 of the BARD1 gene, results from a C to A substitution at nucleotide position 1714. The leucine at codon 572 is replaced by isoleucine, an amino acid with highly similar properties. This amino acid position is conserved. In addition, this alteration is predicted to be tolerated by in silico analysis. Since supporting evidence is limited at this time, the clinical significance of this alteration remains unclear.